The following is an entry in ClinVar:

ClinVar aggregate classification (germline): Uncertain significance (1 of 4 stars; one submission).

gnomAD v4.1: 1 of 1,612,960 alleles (0.000062%); highest among the groups gnomAD compares: Non-Finnish European, 0.000085%; no homozygotes.

Submission:

Ambry Genetics
Classification: Uncertain significance. Last evaluated: 2024-07-24. Review status: criteria provided, single submitter. Criteria: Ambry Variant Classification Scheme 2023. Collection method: clinical testing. Allele origin: germline.
Comment: The p.H718Y variant (also known as c.2152C>T), located in coding exon 14 of the RINT1 gene, results from a C to T substitution at nucleotide position 2152. The histidine at codon 718 is replaced by tyrosine, an amino acid with similar properties. This amino acid position is conserved. In addition, this alteration is predicted to be deleterious by in silico analysis. Based on the available evidence, the clinical significance of this variant remains unclear.

NM_021930.6(RINT1):c.2152C>T (p.His718Tyr)

Genes: EFCAB10 (EF-hand calcium binding domain 10; minus strand), RINT1 (RAD50 interactor 1; plus strand). Cytogenetic location: 7q22.3.
Variant type: single nucleotide variant.
Coding change: c.2152C>T on transcript NM_021930.6 (MANE Select); coding-DNA position 2152, C replaced by T.
Protein change: p.His718Tyr; replaces histidine 718 with tyrosine.
Molecular consequence: missense variant. On other transcripts: non-coding transcript variant (1), intron variant (2).
Genome position (GRCh38, 1-based): chr7:105,565,614, C>T. VCF-style: chr7-105565614-C-T. GRCh37 (hg19) VCF-style: chr7-105206061-C-T.
Other names: c.385G>A, p.Glu129Lys (NM_001355530.2); c.1918C>T, p.His640Tyr (NM_001346599.2); c.1129C>T, p.His377Tyr (NM_001346600.2, NM_001346603.2); c.1228C>T, p.His410Tyr (NM_001346601.2); c.360-167G>A (NM_001355531.2); c.384-167G>A (NM_001355526.2); short protein forms H377Y, H410Y, E129K, H640Y, H718Y.
Identifiers: ClinVar variation 3433575 (VCV003433575.1).